The following is an entry in ClinVar:

ClinVar aggregate classification (germline): Uncertain significance. Review status: criteria provided, multiple submitters, no conflicts (2 of 4 stars). 2 submissions from 2 submitters: Uncertain significance (2). Last evaluated 2025-04-16.

Conditions:
Hereditary cancer-predisposing syndrome. Also called: Tumor predisposition; Hereditary Cancer Syndrome; Hereditary neoplastic syndrome; Neoplastic Syndromes, Hereditary. Identifiers: Orphanet 140162, MedGen C0027672, MeSH D009386, MONDO:0015356.
Hereditary pheochromocytoma and paraganglioma. Also called: Hereditary paragangliomas and pheochromocytomas; Hereditary Paraganglioma-Pheochromocytoma Syndromes; Hereditary pheochromocytoma-paraganglioma. Identifiers: Orphanet 29072, MedGen C4274332, MONDO:0017366.

Allele frequency attached by ClinVar (database versions not stated): TOPMed below 0.00001.

Submissions (2):

Ambry Genetics
Classification: Uncertain significance for Hereditary cancer-predisposing syndrome. Last evaluated: 2025-04-16. Review status: criteria provided, single submitter. Criteria: Ambry Variant Classification Scheme 2023. Collection method: clinical testing. Allele origin: germline.
Comment: The p.I227V variant (also known as c.679A>G), located in coding exon 3 of the TMEM127 gene, results from an A to G substitution at nucleotide position 679. The isoleucine at codon 227 is replaced by valine, an amino acid with highly similar properties. This amino acid position is conserved. In addition, the in silico prediction for this alteration is inconclusive. Based on the available evidence, the clinical significance of this variant remains unclear.

Labcorp Genetics (formerly Invitae), Labcorp
Classification: Uncertain significance for Hereditary pheochromocytoma and paraganglioma. Last evaluated: 2024-03-03. Review status: criteria provided, single submitter. Criteria: Invitae Variant Classification Sherloc (09022015). Collection method: clinical testing. Allele origin: germline.
Comment: This sequence change replaces isoleucine, which is neutral and non-polar, with valine, which is neutral and non-polar, at codon 227 of the TMEM127 protein (p.Ile227Val). This variant is not present in population databases (gnomAD no frequency). This variant has not been reported in the literature in individuals affected with TMEM127-related conditions. ClinVar contains an entry for this variant (Variation ID: 1911220). An algorithm developed to predict the effect of missense changes on protein structure and function (PolyPhen-2) suggests that this variant is likely to be tolerated. In summary, the available evidence is currently insufficient to determine the role of this variant in disease. Therefore, it has been classified as a Variant of Uncertain Significance.

NM_017849.4(TMEM127):c.679A>G (p.Ile227Val)

Gene: TMEM127 (transmembrane protein 127; minus strand). Cytogenetic location: 2q11.2.
Variant type: single nucleotide variant.
Coding change: c.679A>G on transcript NM_017849.4 (MANE Select); coding-DNA position 679, A replaced by G.
Protein change: p.Ile227Val; replaces isoleucine 227 with valine.
Molecular consequence: missense variant.
Genome position (GRCh38, 1-based): chr2:96,253,846, T>C on the plus strand (A>G on the coding strand, the complement: TMEM127 is on the minus strand). VCF-style: chr2-96253846-T-C. GRCh37 (hg19) VCF-style: chr2-96919584-T-C.
Other names: c.679A>G, p.Ile227Val (NM_001193304.3); c.427A>G, p.Ile143Val (NM_001407282.1, NM_001407283.1); short protein forms I143V, I227V.
Identifiers: ClinVar variation 1911220 (VCV001911220.6), dbSNP rs1684140655, ClinGen allele CA347651192.